The following continues an entry in ClinVar:

NM_000059.4(BRCA2):c.8350C>T (p.Arg2784Trp)

Gene: BRCA2. ClinVar aggregate classification (germline): Pathogenic/Likely pathogenic. Pathogenic (5); Likely pathogenic (20).

Submissions 7 to 16 of 31:

Color Diagnostics, LLC DBA Color Health
Classification: Likely pathogenic for Hereditary cancer-predisposing syndrome. Last evaluated: 2025-09-03. Review status: criteria provided, single submitter. Criteria: ACMG Guidelines, 2015. Collection method: clinical testing. Allele origin: germline.
Comment: This missense variant replaces arginine with tryptophan at codon 2784 in the DNA binding domain of the BRCA2 protein. Computational predictions are inconclusive regarding the impact of this variant on protein structure and function. Functional studies have reported that at this variant impacts BRCA2 in homology-directed DNA repair assays, in the complementation of Brca2-deficiency and in sensitivity assays to cisplatin, carboplatin and PARP inhibitors (PMID: 18451181, 29394989, 29988080, 32444794, 33293522, 33609447, 35736817, 37922907, 39779848). This variant has been observed in over ten individuals and families affected with breast and ovarian cancer (PMID: 18451181, 16683254, 19200354, 21638052, 27153395, 31409081, 31843900, 31742824) and in individuals affected with early-onset or metastatic prostate cancer with family history of prostate and breast cancer (Color internal data). A multifactorial analysis has reported a likelihood ratio for pathogenicity based on personal and family history of 4.501 from log(LR)=0.653310001 for 15 carriers (PMID: 31853058). In addition, this variant has been observed in compound heterozygous state with a pathogenic variant in the same gene in at least one individual affected with autosomal recessive Fanconi anemia (FA), indicating that this variant contributes to disease (PMID: 21520333, 34687993ClinVar accession SCV000186727.6, SCV000073500.12external communication). This variant has been described as hypomorphic in a FA case (PMID: 34687993). This variant has been identified in 2/251430 chromosomes in the general population by the Genome Aggregation Database (gnomAD). Based on the available evidence, this variant is classified as Likely Pathogenic.

Variantyx, Inc.
Classification: Pathogenic for Autosomal dominant BRCA2-related cancer types. Last evaluated: 2025-08-21. Review status: criteria provided, single submitter. Criteria: Variantyx Assertion Criteria 2022. Collection method: clinical testing. Allele origin: germline. Inheritance: Autosomal dominant inheritance. Affected: yes.
Comment: This is a nonsynonymous variant in the BRCA2 gene (OMIM: 600185). Pathogenic variants in this gene have been associated with autosomal dominant BRCA2-related cancer types. This variant was identified in several breast and ovarian cancer cohorts and observed to segregate with disease (PMID:16683254; 9200354; 27616075). Computational algorithms produce conflicting evidence regarding the predicted functional impact of this variant (REVEL score: 0.738), but many functional studies have shown that this variant alters BRCA2 protein function (PMID: 18451181, 23108138, 29884841, 29988080, 33293522) (PS3). This variant has a 0.0022% maximum allele frequency in non-founder control populations. Based on the current evidence, this variant is classified as pathogenic for autosomal dominant BRCA2-related cancer types.

Clinical Genomics Laboratory, Washington University in St. Louis
Classification: Likely pathogenic for Breast-ovarian cancer, familial, susceptibility to, 2. Last evaluated: 2025-07-21. Review status: criteria provided, single submitter. Criteria: ACMG Guidelines, 2015. Collection method: clinical testing. Allele origin: germline. Affected: yes.
Comment: The BRCA2 c.8350C>T (p.Arg2784Trp) variant has been reported in multiple individuals with hereditary breast, ovarian cancer, lung adenocarcinoma, and/or chordoma (da Costa AABA et al., PMID: 31060523; Donner I et al., PMID: 30032850; Kraus C et al., PMID: 27616075; Machackova E et al., PMID: 31409081; Shao D et al., PMID: 31742824; Wu X et al., PMID: 34350294; Xia B et al., PMID: 35762214). It has also been reported in the homozygous state in individuals with Fanconi anemia (Radulovic I et al., PMID: 36721989). This variant resides within the DNA binding domain, amino acids 2481-3186, of BRCA2 that is defined as a critical functional domain (Akter H et al., PMID: 31477031). Functional studies show reduced homology-directed DNA repair, indicating that this variant impacts protein function (Farrugia DJ et al., PMID: 18451181; Guidugli L et al., PMID: 2310813). Computational predictors indicate that the variant is damaging, evidence that correlates with impact to BRCA2 function. This variant has been reported in the ClinVar database as a germline pathogenic variant by four submitters, likely pathogenic variant by 15 submitters and a variant of uncertain significance by four submitters. Based on available information and the ENIGMA BRCA1 and BRCA2 Expert Panel Specifications for BRCA2 variant classification (Parsons MT et al., PMID: 39142283), this variant is classified as likely pathogenic.

Ambry Genetics
Classification: Pathogenic for Hereditary cancer-predisposing syndrome. Last evaluated: 2025-05-14. Review status: criteria provided, single submitter. Criteria: Ambry Variant Classification Scheme 2023. Collection method: clinical testing. Allele origin: germline.
Comment: The c.8350C>T (p.R2784W) alteration is located in exon 19 (coding exon 18) of the BRCA2 gene. This alteration results from a C to T substitution at nucleotide position 8350, causing the arginine (R) at amino acid position 2784 to be replaced by a tryptophan (W). However, because this variant is identified in one or more patients with Fanconi Anemia it may be hypomorphic and thus, carriers of this variant and their families may present with reduced risks, and not with the typical clinical characteristics of a high-risk pathogenic BRCA2 alteration. As risk estimates are unknown at this time, clinical correlation is advised. Based on data from gnomAD, the T allele has an overall frequency of 0.001% (2/251430) total alleles studied. The highest observed frequency was 0.005% (1/18392) of East Asian alleles. This variant was identified in several breast and ovarian cancer cohorts and segregates with disease (van der Hout, 2006; G&oacute;mez Garc&iacute;a, 2009; Kraus, 2017; Ambry internal data). This alteration was also observed in trans with a pathogenic BRCA2 variant in a patient with Fanconi Anemia (personal communication). Internal structural analysis indicates that this variant is likely to disrupt BRCA2 binding to DSS1, a protein that has been shown to stabilize BRCA2 and participate in its clinically relevant functions (Ambry internal data; Yang, 2002). Several independent assays find this variant non-functional including multiple homology-directed DNA repair assays; a centriole amplification assay and a mouse embryonic stem cell complementation assay (Farrugia, 2008; Guidugli, 2013; Guidugli, 2018; Mesman, 2018). Based on the available evidence, this alteration is classified as pathogenic.

Department of Pathology and Laboratory Medicine, Sinai Health System
Classification: Likely pathogenic for BRCA2-related cancer predisposition. Last evaluated: 2024-06-25. Review status: criteria provided, single submitter. Criteria: ACMG Guidelines, 2015. Collection method: clinical testing. Allele origin: germline.

GeneDx
Classification: Pathogenic. Last evaluated: 2024-05-03. Review status: criteria provided, single submitter. Criteria: GeneDx Variant Classification Process June 2021. Collection method: clinical testing. Allele origin: germline. Affected: yes.
Comment: Published functional studies demonstrate a damaging effect: displayed reduced homologous recombination repair activity in multiple homology-directed DNA break repair assays as well as poor survival in mouse embryonic stem cell assay (PMID: 18451181, 23108138, 29988080, 29884841, 33293522, 35736817); Not observed at significant frequency in large population cohorts (gnomAD); In silico analysis indicates that this missense variant does not alter protein structure/function; Also known as 8578C>T; This variant is associated with the following publications: (PMID: 21638052, 25447315, 36721989, 31060523, 34687993, 18451181, 19200354, 16683254, 19043619, 25782689, 27616075, 30032850, 10923033, 18951461, 29988080, 12228710, 16205630, 26145171, 22194698, 24323938, 31409081, 33293522, 29884841, 34350294, 32719484, 33609447, 35665744, 38623065, 36387127, Akolkar2022[preprint], 33471991, 35736817, 36099812, 31742824, 35762214, 35753512, 23108138, 29394989)

Quest Diagnostics Nichols Institute San Juan Capistrano
Classification: Pathogenic. Last evaluated: 2024-03-13. Review status: criteria provided, single submitter. Criteria: Quest Diagnostics criteria. Collection method: clinical testing. Allele origin: unknown.
Comment: The BRCA2 c.8350C>T (p.Arg2784Trp) variant has been reported in the published literature in families with breast and/or ovarian cancer in the published literature (PMIDs: 33471991 (2021), 31060523 (2019), 27616075 (2016), 21638052 (2011), 16683254 (2006), see also LOVD), as well as in one individual affected with lung cancer (PMID: 30032850 (2018)). Functional evidence suggests that this variant may impact protein function (PMIDs: 33609447 (2022), 33293522 (2020), 29394989 (2018), 29988080 (2018), 24323938 (2014), 23108138 (2013), 18451181 (2008)). The frequency of this variant in the general population, 0.000008 (2/251430 chromosomes (Genome Aggregation Database)), is consistent with pathogenicity. Analysis of this variant using bioinformatics tools for the prediction of the effect of amino acid changes on protein structure and function yielded predictions that this variant is damaging. Based on the available information, this variant is classified as pathogenic.

Mayo Clinic Laboratories, Mayo Clinic
Classification: Likely pathogenic. Last evaluated: 2024-01-04. Review status: criteria provided, single submitter. Criteria: ACMG Guidelines, 2015. Collection method: clinical testing. Allele origin: germline. Observed: 2 variant alleles.
Comment: PM3, PS3

Baylor Genetics
Classification: Likely pathogenic for Familial cancer of breast. Last evaluated: 2023-12-17. Review status: criteria provided, single submitter. Criteria: ACMG Guidelines, 2015. Collection method: clinical testing. Allele origin: unknown.

Revvity Omics, Revvity
Classification: Likely pathogenic. Last evaluated: 2022-07-22. Review status: criteria provided, single submitter. Criteria: ACMG Guidelines, 2015. Collection method: clinical testing. Allele origin: germline.